The following is an entry in ClinVar:

ClinVar aggregate classification (germline): Uncertain significance. Review status: criteria provided, multiple submitters, no conflicts (2 of 4 stars). 2 submissions from 2 submitters: Uncertain significance (2). Last evaluated 2023-12-15.

Conditions:
Hypertrophic cardiomyopathy. Also called: HYPERTROPHIC MYOCARDIOPATHY. Identifiers: Orphanet 217569, MedGen C0007194, MeSH D002312, MONDO:0005045, HP:0001639.

Allele frequency attached by ClinVar (database versions not stated): ExAC 0.00001; gnomAD 0.00002; gnomAD exomes below 0.00001; TOPMed 0.00002; ESP Exome Variant Server 0.00008.
gnomAD v4.1: 6 of 1,613,320 alleles (0.00037%); highest among the groups gnomAD compares: African/African-American, 0.008%; no homozygotes.

Submissions (2):

Ambry Genetics
Classification: Uncertain significance. Last evaluated: 2023-12-15. Review status: criteria provided, single submitter. Criteria: Ambry Variant Classification Scheme 2023. Collection method: clinical testing. Allele origin: germline.
Comment: The p.A1082G variant (also known as c.3245C>G), located in coding exon 20 of the MYOM1 gene, results from a C to G substitution at nucleotide position 3245. The alanine at codon 1082 is replaced by glycine, an amino acid with similar properties. This amino acid position is conserved. In addition, this alteration is predicted to be tolerated by in silico analysis. Since supporting evidence is limited at this time, the clinical significance of this alteration remains unclear.

Labcorp Genetics (formerly Invitae), Labcorp
Classification: Uncertain significance for Hypertrophic cardiomyopathy. Last evaluated: 2023-10-09. Review status: criteria provided, single submitter. Criteria: Invitae Variant Classification Sherloc (09022015). Collection method: clinical testing. Allele origin: germline.
Comment: This sequence change replaces alanine, which is neutral and non-polar, with glycine, which is neutral and non-polar, at codon 1082 of the MYOM1 protein (p.Ala1082Gly). This variant is present in population databases (rs368707213, gnomAD 0.007%). This variant has not been reported in the literature in individuals affected with MYOM1-related conditions. ClinVar contains an entry for this variant (Variation ID: 577925). Advanced modeling of protein sequence and biophysical properties (such as structural, functional, and spatial information, amino acid conservation, physicochemical variation, residue mobility, and thermodynamic stability) performed at Invitae indicates that this missense variant is not expected to disrupt MYOM1 protein function. In summary, the available evidence is currently insufficient to determine the role of this variant in disease. Therefore, it has been classified as a Variant of Uncertain Significance.

NM_003803.4(MYOM1):c.3245C>G (p.Ala1082Gly)

Gene: MYOM1 (myomesin 1; minus strand). Cytogenetic location: 18p11.31.
Variant type: single nucleotide variant.
Coding change: c.3245C>G on transcript NM_003803.4 (MANE Select); coding-DNA position 3245, C replaced by G.
Protein change: p.Ala1082Gly; replaces alanine 1082 with glycine.
Molecular consequence: missense variant.
Genome position (GRCh38, 1-based): chr18:3,116,389, G>C on the plus strand (C>G on the coding strand, the complement: MYOM1 is on the minus strand). VCF-style: chr18-3116389-G-C. GRCh37 (hg19) VCF-style: chr18-3116387-G-C.
Other names: c.2957C>G, p.Ala986Gly (NM_019856.2); short protein forms A1082G, A986G.
Identifiers: ClinVar variation 577925 (VCV000577925.9), dbSNP rs368707213, ClinGen allele CA8874375.
Genomic context (GRCh38, chr18:3,116,389, plus strand): 5'-ACCTTCAGGTATACGTTTTTAATAGCCGCCTCATTGAGCCCTCGCCACTGGTCTTCTTTG[G>C]CCTTGGCCTCCTTCAAGTCCACGAAGTAACCAGTGACCGGAGTCCGCCCGGAGTGGACTG-3'
Protein context (NP_003794.3, residues 1072-1092): GYFVDLKEAK[Ala1082Gly]KEDQWRGLNE